The following is an entry in ClinVar:

ClinVar aggregate classification (germline): Uncertain significance (1 of 4 stars; one submission).

Allele frequency attached by ClinVar (database versions not stated): gnomAD exomes 0.00001; TOPMed 0.00001.
gnomAD v4.1: 7 of 1,613,808 alleles (0.00043%); highest among the groups gnomAD compares: Non-Finnish European, 0.00059%; no homozygotes.

Submission:

Labcorp Genetics (formerly Invitae), Labcorp
Classification: Uncertain significance. Last evaluated: 2022-06-20. Review status: criteria provided, single submitter. Criteria: Invitae Variant Classification Sherloc (09022015). Collection method: clinical testing. Allele origin: germline.
Comment: Algorithms developed to predict the effect of missense changes on protein structure and function output the following: SIFT: "Tolerated"; PolyPhen-2: "Benign"; Align-GVGD: "Class C0". The proline amino acid residue is found in multiple mammalian species, which suggests that this missense change does not adversely affect protein function. This sequence change replaces threonine, which is neutral and polar, with proline, which is neutral and non-polar, at codon 950 of the IARS2 protein (p.Thr950Pro). This variant is not present in population databases (gnomAD no frequency). This variant has not been reported in the literature in individuals affected with IARS2-related conditions. In summary, the available evidence is currently insufficient to determine the role of this variant in disease. Therefore, it has been classified as a Variant of Uncertain Significance.

NM_018060.4(IARS2):c.2848A>C (p.Thr950Pro)

Gene: IARS2 (isoleucyl-tRNA synthetase 2, mitochondrial; plus strand). Cytogenetic location: 1q41.
Variant type: single nucleotide variant.
Coding change: c.2848A>C on transcript NM_018060.4 (MANE Select); coding-DNA position 2848, A replaced by C.
Protein change: p.Thr950Pro; replaces threonine 950 with proline.
Molecular consequence: missense variant.
Genome position (GRCh38, 1-based): chr1:220,145,605, A>C. VCF-style: chr1-220145605-A-C. GRCh37 (hg19) VCF-style: chr1-220318947-A-C.
Other names: short protein forms T950P.
Identifiers: ClinVar variation 1477926 (VCV001477926.6), dbSNP rs1657570498, ClinGen allele CA344618861.